The following is an entry in ClinVar:

NM_001042545.2(LTBP4):c.331A>C (p.Lys111Gln)

Gene: LTBP4 (latent transforming growth factor beta binding protein 4; plus strand). Cytogenetic location: 19q13.2.
Variant type: single nucleotide variant.
Coding change: c.331A>C on transcript NM_001042545.2 (MANE Select); coding-DNA position 331, A replaced by C.
Protein change: p.Lys111Gln; replaces lysine 111 with glutamine.
Molecular consequence: missense variant.
Genome position (GRCh38, 1-based): chr19:40,605,115, A>C. VCF-style: chr19-40605115-A-C. GRCh37 (hg19) VCF-style: chr19-41111021-A-C.
Other names: c.532A>C, p.Lys178Gln (NM_001042544.1); c.421A>C, p.Lys141Gln (NM_003573.2); short protein forms K111Q, K141Q, K178Q.
Identifiers: ClinVar variation 2008706 (VCV002008706.5), dbSNP rs2515343421, ClinGen allele CA405932818.

ClinVar aggregate classification (germline): Uncertain significance. Review status: criteria provided, multiple submitters, no conflicts (2 of 4 stars). 2 submissions from 2 submitters: Uncertain significance (2). Last evaluated 2025-02-21.

Conditions:
Inborn genetic diseases. Identifiers: MedGen C0950123, MeSH D030342.

Allele frequency attached by ClinVar (database versions not stated): gnomAD exomes below 0.00001.
gnomAD v4.1: 2 of 1,613,658 alleles (0.00012%); highest among the groups gnomAD compares: Non-Finnish European, 0.00017%; no homozygotes.

Submissions (2):

Ambry Genetics
Classification: Uncertain significance for Inborn genetic diseases. Last evaluated: 2025-02-21. Review status: criteria provided, single submitter. Criteria: Ambry Variant Classification Scheme 2023. Collection method: clinical testing. Allele origin: germline.

Labcorp Genetics (formerly Invitae), Labcorp
Classification: Uncertain significance. Last evaluated: 2022-06-20. Review status: criteria provided, single submitter. Criteria: Invitae Variant Classification Sherloc (09022015). Collection method: clinical testing. Allele origin: germline.
Comment: In summary, the available evidence is currently insufficient to determine the role of this variant in disease. Therefore, it has been classified as a Variant of Uncertain Significance. Experimental studies and prediction algorithms are not available or were not evaluated, and the functional significance of this variant is currently unknown. This variant has not been reported in the literature in individuals affected with LTBP4-related conditions. This variant is not present in population databases (gnomAD no frequency). This sequence change replaces lysine, which is basic and polar, with glutamine, which is neutral and polar, at codon 141 of the LTBP4 protein (p.Lys141Gln).